The following is an entry in ClinVar:

ClinVar aggregate classification (germline): Uncertain significance (1 of 4 stars; one submission).

Conditions:
Kufor-Rakeb syndrome (KRS). Also called: PARKINSON DISEASE 9, AUTOSOMAL RECESSIVE, JUVENILE-ONSET. Identifiers: Orphanet 306674, Orphanet 314632, MedGen C1847640, MONDO:0011706, OMIM 606693.
Autosomal recessive spastic paraplegia type 78. Identifiers: Orphanet 513436, MedGen C5567893, MONDO:0014975, OMIM 617225.

Allele frequency attached by ClinVar (database versions not stated): gnomAD 0.00001; 1000 Genomes Project 30x 0.00016; 1000 Genomes Project 0.00020.
gnomAD v4.1: 1 of 1,614,104 alleles (0.000062%); highest among the groups gnomAD compares: East Asian, 0.0022%; no homozygotes.

Submission:

Labcorp Genetics (formerly Invitae), Labcorp
Classification: Uncertain significance for Kufor-Rakeb syndrome; Autosomal recessive spastic paraplegia type 78. Last evaluated: 2023-09-17. Review status: criteria provided, single submitter. Criteria: Invitae Variant Classification Sherloc (09022015). Collection method: clinical testing. Allele origin: germline.
Comment: In summary, the available evidence is currently insufficient to determine the role of this variant in disease. Therefore, it has been classified as a Variant of Uncertain Significance. Advanced modeling of protein sequence and biophysical properties (such as structural, functional, and spatial information, amino acid conservation, physicochemical variation, residue mobility, and thermodynamic stability) has been performed at Invitae for this missense variant, however the output from this modeling did not meet the statistical confidence thresholds required to predict the impact of this variant on ATP13A2 protein function. This variant has not been reported in the literature in individuals affected with ATP13A2-related conditions. This variant is not present in population databases (gnomAD no frequency). This sequence change replaces valine, which is neutral and non-polar, with leucine, which is neutral and non-polar, at codon 850 of the ATP13A2 protein (p.Val850Leu).

NM_022089.4(ATP13A2):c.2548G>C (p.Val850Leu)

Gene: ATP13A2 (ATPase cation transporting 13A2; minus strand). Cytogenetic location: 1p36.13.
Variant type: single nucleotide variant.
Coding change: c.2548G>C on transcript NM_022089.4 (MANE Select); coding-DNA position 2548, G replaced by C.
Protein change: p.Val850Leu; replaces valine 850 with leucine.
Molecular consequence: missense variant.
Genome position (GRCh38, 1-based): chr1:16,989,752, C>G on the plus strand (G>C on the coding strand, the complement: ATP13A2 is on the minus strand). VCF-style: chr1-16989752-C-G. GRCh37 (hg19) VCF-style: chr1-17316247-C-G.
Other names: c.2533G>C, p.Val845Leu (NM_001141973.3); c.2416G>C, p.Val806Leu (NM_001141974.3); short protein forms V845L, V850L, V806L.
Identifiers: ClinVar variation 2952001 (VCV002952001.3), dbSNP rs566172222, ClinGen allele CA18628836.